The following is an entry in ClinVar:

NM_000195.5(HPS1):c.515A>G (p.Glu172Gly)

Gene: HPS1 (HPS1 biogenesis of lysosomal organelles complex 3 subunit 1; minus strand). Cytogenetic location: 10q24.2.
Variant type: single nucleotide variant.
Coding change: c.515A>G on transcript NM_000195.5 (MANE Select); coding-DNA position 515, A replaced by G.
Protein change: p.Glu172Gly; replaces glutamic acid 172 with glycine.
Molecular consequence: missense variant. On other transcripts: 5 prime UTR variant (3), intron variant (5).
Genome position (GRCh38, 1-based): chr10:98,431,284, T>C on the plus strand (A>G on the coding strand, the complement: HPS1 is on the minus strand). VCF-style: chr10-98431284-T-C. GRCh37 (hg19) VCF-style: chr10-100191041-T-C.
Other names: c.-359A>G (NM_001311345.2, NM_001322489.2); c.515A>G, p.Glu172Gly (NM_001322476.2, NM_001322477.2, NM_001322478.2 and 3 more transcripts); c.146A>G, p.Glu49Gly (NM_001322483.2, NM_001322484.2, NM_001322485.2); c.-458A>G (NM_001322487.2); c.408-614A>G (NM_001322480.2, NM_001322482.2, NM_001322481.2); c.551-614A>G (NM_001322492.2, NM_001322490.2); short protein forms E172G, E49G.
Identifiers: ClinVar variation 627179 (VCV000627179.4), dbSNP rs1591093208, ClinGen allele CA378053551.

ClinVar aggregate classification (germline): Conflicting classifications of pathogenicity. Review status: criteria provided, conflicting classifications (1 of 4 stars). 2 submissions from 2 submitters: Likely pathogenic (1); Uncertain significance (1). Last evaluated 2025-04-22.

Conditions:
Hermansky-Pudlak syndrome (HPS). Also called: ALBINISM WITH HEMORRHAGIC DIATHESIS AND PIGMENTED RETICULOENDOTHELIAL CELLS. Identifiers: Orphanet 79430, MedGen C0079504, MONDO:0019312.

Allele frequency attached by ClinVar (database versions not stated): gnomAD exomes below 0.00001.

Submissions (2):

Women's Health and Genetics/Laboratory Corporation of America, LabCorp
Classification: Uncertain significance. Last evaluated: 2025-04-22. Review status: criteria provided, single submitter. Criteria: LabCorp Variant Classification Summary - May 2015. Collection method: clinical testing. Allele origin: germline.
Comment: Variant summary: HPS1 c.515A>G (p.Glu172Gly) results in a non-conservative amino acid change in the encoded protein sequence. Three of five in-silico tools predict a benign effect of the variant on protein function. The variant was absent in 247936 control chromosomes. c.515A>G has been observed in individual(s) affected with platelet function disorder (Downes_2019). These data indicate that the variant may be associated with disease. To our knowledge, no experimental evidence demonstrating an impact on protein function has been reported. The following publication have been ascertained in the context of this evaluation (PMID: 31064749).ClinVar contains an entry for this variant (Variation ID: 627179). Based on the evidence outlined above, the variant was classified as VUS-possibly pathogenic.

NIHR Bioresource Rare Diseases, University of Cambridge
Classification: Likely pathogenic for Hermansky-Pudlak syndrome. Last evaluated: 2019-02-01. Review status: criteria provided, single submitter. Criteria: ACMG Guidelines, 2015. Collection method: research. Allele origin: unknown. Affected: yes. Observed: 2 homozygotes. Study: ThromboGenomics.

Literature cited by the submitters: PubMed 31064749 (cited by Women's Health and Genetics/Laboratory Corporation of America, LabCorp and NIHR Bioresource Rare Diseases, University of Cambridge).